The following is an entry in ClinVar:

NM_000260.4(MYO7A):c.1804G>A (p.Glu602Lys)

Gene: MYO7A (myosin VIIA; plus strand). Cytogenetic location: 11q13.5.
Variant type: single nucleotide variant.
Coding change: c.1804G>A on transcript NM_000260.4 (MANE Select); coding-DNA position 1804, G replaced by A.
Protein change: p.Glu602Lys; replaces glutamic acid 602 with lysine.
Molecular consequence: missense variant.
Genome position (GRCh38, 1-based): chr11:77,172,754, G>A. VCF-style: chr11-77172754-G-A. GRCh37 (hg19) VCF-style: chr11-76883800-G-A.
Other names: c.1804G>A, p.Glu602Lys (NM_001127180.2); c.1771G>A, p.Glu591Lys (NM_001369365.1); short protein forms E591K, E602K.
Identifiers: ClinVar variation 5003290 (VCV005003290.1).
Genomic context (GRCh38, chr11:77,172,754, plus strand): 5'-GACACTGGATGGGGCAGGCACAGCCCCTCCCATCGCTGCCGTCCGTCCCCCCAGGGCGCC[G>A]AGACCAGGAAGCGCTCGCCCACACTTAGCAGCCAGTTCAAGCGGTCACTGGAGCTGCTGA-3'
Protein context (NP_000251.3, residues 592-612): IFQADVAMGA[Glu602Lys]TRKRSPTLSS

ClinVar aggregate classification (germline): Uncertain significance (1 of 4 stars; one submission).

Conditions:
Usher syndrome type 1 (USH1). Also called: RETINITIS PIGMENTOSA AND CONGENITAL DEAFNESS. Identifiers: Orphanet 231169, Orphanet 886, MedGen C1568247, MONDO:0010168, OMIM 276900.

gnomAD v4.1: 25 of 1,557,382 alleles (0.0016%); highest among the groups gnomAD compares: East Asian, 0.0048%; no homozygotes.

Submission:

Myriad Genetics, Inc.
Classification: Uncertain significance for Usher syndrome type 1. Last evaluated: 2026-08-20. Review status: criteria provided, single submitter. Criteria: Myriad Autosomal Dominant, Autosomal Recessive and X-Linked Classification Criteria (2023). Collection method: clinical testing. Allele origin: unknown.
Comment: NM_000260.3(MYO7A):c.1804G>A(E602K) is a missense variant classified as a variant of uncertain significance in the context of MYO7A-related disorders. E602K has not been observed in cases with relevant disease. Relevant functional assessments of this variant are not available in the literature. E602K has been observed in referenced population frequency databases. In summary, there is insufficient evidence to classify NM_000260.3(MYO7A):c.1804G>A(E602K) as pathogenic or benign. Please note: this variant was assessed in the context of healthy population screening.